The following is an entry in ClinVar:

ClinVar aggregate classification (germline): Uncertain significance (1 of 4 stars; one submission).

Conditions:
DICER1-related tumor predisposition. Also called: DICER1-related pleuropulmonary blastoma cancer predisposition syndrome; DICER1 syndrome. Identifiers: Orphanet 284343, MedGen C3839822, MONDO:0100216.

Submission:

Labcorp Genetics (formerly Invitae), Labcorp
Classification: Uncertain significance for DICER1-related tumor predisposition. Last evaluated: 2022-06-07. Review status: criteria provided, single submitter. Criteria: Invitae Variant Classification Sherloc (09022015). Collection method: clinical testing. Allele origin: germline.
Comment: This sequence change replaces valine, which is neutral and non-polar, with alanine, which is neutral and non-polar, at codon 1257 of the DICER1 protein (p.Val1257Ala). This variant is not present in population databases (gnomAD no frequency). This variant has not been reported in the literature in individuals affected with DICER1-related conditions. Algorithms developed to predict the effect of missense changes on protein structure and function output the following: SIFT: "Tolerated"; PolyPhen-2: "Benign"; Align-GVGD: "Class C0". The alanine amino acid residue is found in multiple mammalian species, which suggests that this missense change does not adversely affect protein function. In summary, the available evidence is currently insufficient to determine the role of this variant in disease. Therefore, it has been classified as a Variant of Uncertain Significance.

NM_177438.3(DICER1):c.3770T>C (p.Val1257Ala)

Gene: DICER1 (dicer 1, ribonuclease III; minus strand). Cytogenetic location: 14q32.13.
Variant type: single nucleotide variant.
Coding change: c.3770T>C on transcript NM_177438.3 (MANE Select); coding-DNA position 3770, T replaced by C.
Protein change: p.Val1257Ala; replaces valine 1257 with alanine.
Molecular consequence: missense variant. On other transcripts: non-coding transcript variant (6).
Genome position (GRCh38, 1-based): chr14:95,103,626, A>G on the plus strand (T>C on the coding strand, the complement: DICER1 is on the minus strand). VCF-style: chr14-95103626-A-G. GRCh37 (hg19) VCF-style: chr14-95569963-A-G.
Other names: c.3770T>C, p.Val1257Ala (NM_001195573.1, NM_001271282.3, NM_001291628.2 and 13 more transcripts); c.3488T>C, p.Val1163Ala (NM_001395686.1); c.3365T>C, p.Val1122Ala (NM_001395687.1, NM_001395688.1, NM_001395689.1 and 2 more transcripts); c.3203T>C, p.Val1068Ala (NM_001395691.1); c.2087T>C, p.Val696Ala (NM_001395697.1); short protein forms V1163A, V696A, V1068A, V1122A, V1257A.
Identifiers: ClinVar variation 2002606 (VCV002002606.4), dbSNP rs2542697633, ClinGen allele CA390873560.